The following is an entry in ClinVar:

ClinVar aggregate classification (germline): Uncertain significance. Review status: criteria provided, multiple submitters, no conflicts (2 of 4 stars). 4 submissions from 4 submitters: Uncertain significance (4). Last evaluated 2025-10-02.

Conditions:
LAMA2-related muscular dystrophy (LAMA2-RD). Also called: Laminin alpha 2-related dystrophy. Identifiers: MedGen C5679788, MONDO:0100228.
Merosin deficient congenital muscular dystrophy (MDC1A). Also called: Congenital merosin-deficient muscular dystrophy 1A; Congenital Muscular Dystrophy Type 1A (MDC1A). Identifiers: Orphanet 258, MedGen C1263858, MONDO:0011925, OMIM 607855.
Congenital muscular dystrophy due to partial LAMA2 deficiency. Identifiers: MedGen C1842898.

Allele frequency attached by ClinVar (database versions not stated): ExAC 0.00001; gnomAD exomes 0.00003 and 0.00010; gnomAD 0.00006; TOPMed 0.00008.
gnomAD v4.1: 159 of 1,613,684 alleles (0.0099%); highest among the groups gnomAD compares: Non-Finnish European, 0.012%; no homozygotes.

Submissions (4):

Labcorp Genetics (formerly Invitae), Labcorp
Classification: Uncertain significance for LAMA2-related muscular dystrophy. Last evaluated: 2025-10-02. Review status: criteria provided, single submitter. Criteria: Invitae Variant Classification Sherloc (09022015). Collection method: clinical testing. Allele origin: germline.
Comment: This sequence change replaces glutamic acid, which is acidic and polar, with glutamine, which is neutral and polar, at codon 1720 of the LAMA2 protein (p.Glu1720Gln). This variant is present in population databases (rs760572086, gnomAD 0.008%). This missense change has been observed in individual(s) with dilated cardiomyopathy and congenital anomalies (PMID: 31983221, 33442022). ClinVar contains an entry for this variant (Variation ID: 585149). Invitae Evidence Modeling of protein sequence and biophysical properties (such as structural, functional, and spatial information, amino acid conservation, physicochemical variation, residue mobility, and thermodynamic stability) indicates that this missense variant is not expected to disrupt LAMA2 protein function with a negative predictive value of 95%. In summary, the available evidence is currently insufficient to determine the role of this variant in disease. Therefore, it has been classified as a Variant of Uncertain Significance.

Mayo Clinic Laboratories, Mayo Clinic
Classification: Uncertain significance. Last evaluated: 2025-08-13. Review status: criteria provided, single submitter. Criteria: ACMG Guidelines, 2015. Collection method: clinical testing. Allele origin: germline. Observed: 2 variant alleles.
Comment: BP4

Revvity Omics, Revvity
Classification: Uncertain significance. Last evaluated: 2019-09-06. Review status: criteria provided, single submitter. Criteria: ACMG Guidelines, 2015. Collection method: clinical testing. Allele origin: germline.

Illumina Laboratory Services, Illumina
Classification: Uncertain significance for Congenital muscular dystrophy due to partial LAMA2 deficiency. Last evaluated: 2018-01-13. Review status: criteria provided, single submitter. Criteria: ICSL Variant Classification Criteria 13 December 2019. Collection method: clinical testing. Allele origin: germline.

Literature cited by the submitters: PubMed 31983221 (cited by Labcorp Genetics (formerly Invitae), Labcorp); PubMed 33442022 (cited by Labcorp Genetics (formerly Invitae), Labcorp and Mayo Clinic Laboratories, Mayo Clinic).

NM_000426.4(LAMA2):c.5158G>C (p.Glu1720Gln)

Gene: LAMA2 (laminin subunit alpha 2; plus strand). Cytogenetic location: 6q22.33.
Variant type: single nucleotide variant.
Coding change: c.5158G>C on transcript NM_000426.4 (MANE Select); coding-DNA position 5158, G replaced by C.
Protein change: p.Glu1720Gln; replaces glutamic acid 1720 with glutamine.
Molecular consequence: missense variant.
Genome position (GRCh38, 1-based): chr6:129,391,577, G>C. VCF-style: chr6-129391577-G-C. GRCh37 (hg19) VCF-style: chr6-129712722-G-C.
Other names: p.Glu1720Gln; c.5158G>C, p.Glu1720Gln (NM_001079823.2); short protein forms E1720Q.
Identifiers: ClinVar variation 585149 (VCV000585149.12), dbSNP rs760572086, ClinGen allele CA3993791.